The following is an entry in ClinVar:

NM_000387.6(SLC25A20):c.715A>G (p.Thr239Ala)

Gene: SLC25A20 (solute carrier family 25 member 20; minus strand). Cytogenetic location: 3p21.31.
Variant type: single nucleotide variant.
Coding change: c.715A>G on transcript NM_000387.6 (MANE Select); coding-DNA position 715, A replaced by G.
Protein change: p.Thr239Ala; replaces threonine 239 with alanine.
Molecular consequence: missense variant.
Genome position (GRCh38, 1-based): chr3:48,859,095, T>C on the plus strand (A>G on the coding strand, the complement: SLC25A20 is on the minus strand). VCF-style: chr3-48859095-T-C. GRCh37 (hg19) VCF-style: chr3-48896528-T-C.
Other names: short protein forms T239A.
Identifiers: ClinVar variation 2895760 (VCV002895760.2), dbSNP rs143961330, ClinGen allele CA2387315.

ClinVar aggregate classification (germline): Uncertain significance (1 of 4 stars; one submission).

Conditions:
Carnitine acylcarnitine translocase deficiency (CACTD). Identifiers: Orphanet 159, MedGen C0342791, MONDO:0008918, OMIM 212138.

Allele frequency attached by ClinVar (database versions not stated): gnomAD 0.00001; gnomAD exomes 0.00001; TOPMed 0.00001; ExAC 0.00003; ESP Exome Variant Server 0.00008.
gnomAD v4.1: 14 of 1,612,774 alleles (0.00087%); highest among the groups gnomAD compares: Non-Finnish European, 0.0012%; no homozygotes.

Submission:

Labcorp Genetics (formerly Invitae), Labcorp
Classification: Uncertain significance for Carnitine acylcarnitine translocase deficiency. Last evaluated: 2023-10-23. Review status: criteria provided, single submitter. Criteria: Invitae Variant Classification Sherloc (09022015). Collection method: clinical testing. Allele origin: germline.
Comment: This sequence change replaces threonine, which is neutral and polar, with alanine, which is neutral and non-polar, at codon 239 of the SLC25A20 protein (p.Thr239Ala). This variant is present in population databases (rs143961330, gnomAD 0.004%). This variant has not been reported in the literature in individuals affected with SLC25A20-related conditions. Advanced modeling of protein sequence and biophysical properties (such as structural, functional, and spatial information, amino acid conservation, physicochemical variation, residue mobility, and thermodynamic stability) performed at Invitae indicates that this missense variant is not expected to disrupt SLC25A20 protein function with a negative predictive value of 80%. In summary, the available evidence is currently insufficient to determine the role of this variant in disease. Therefore, it has been classified as a Variant of Uncertain Significance.